The following is an entry in ClinVar:

ClinVar aggregate classification (germline): Uncertain significance. Review status: criteria provided, multiple submitters, no conflicts (2 of 4 stars). 2 submissions from 2 submitters: Uncertain significance (2). Last evaluated 2026-03-12.

Conditions:
Rhabdoid tumor predisposition syndrome 2 (RTPS2). Identifiers: Orphanet 231108, Orphanet 69077, MedGen C2750074, MONDO:0013224, OMIM 613325.
Hereditary cancer-predisposing syndrome. Also called: Hereditary neoplastic syndrome; Tumor predisposition; Neoplastic Syndromes, Hereditary; Hereditary Cancer Syndrome. Identifiers: Orphanet 140162, MedGen C0027672, MeSH D009386, MONDO:0015356.

Submissions (2):

Ambry Genetics
Classification: Uncertain significance for Hereditary cancer-predisposing syndrome. Last evaluated: 2026-03-12. Review status: criteria provided, single submitter. Criteria: Ambry Variant Classification Scheme 2023. Collection method: clinical testing. Allele origin: germline.
Comment: The p.N770K variant (also known as c.2310C>A), located in coding exon 15 of the SMARCA4 gene, results from a C to A substitution at nucleotide position 2310. The asparagine at codon 770 is replaced by lysine, an amino acid with similar properties. This amino acid position is conserved. In addition, the in silico prediction for this alteration is inconclusive. Based on the available evidence, the clinical significance of this variant remains unclear.

Labcorp Genetics (formerly Invitae), Labcorp
Classification: Uncertain significance for Rhabdoid tumor predisposition syndrome 2. Last evaluated: 2025-07-14. Review status: criteria provided, single submitter. Criteria: Invitae Variant Classification Sherloc (09022015). Collection method: clinical testing. Allele origin: germline.
Comment: This sequence change replaces asparagine, which is neutral and polar, with lysine, which is basic and polar, at codon 770 of the SMARCA4 protein (p.Asn770Lys). This variant is not present in population databases (gnomAD no frequency). This variant has not been reported in the literature in individuals affected with SMARCA4-related conditions. ClinVar contains an entry for this variant (Variation ID: 1360853). Invitae Evidence Modeling of protein sequence and biophysical properties (such as structural, functional, and spatial information, amino acid conservation, physicochemical variation, residue mobility, and thermodynamic stability) indicates that this missense variant is expected to disrupt SMARCA4 protein function with a positive predictive value of 95%. In summary, the available evidence is currently insufficient to determine the role of this variant in disease. Therefore, it has been classified as a Variant of Uncertain Significance.

NM_003072.5(SMARCA4):c.2310C>A (p.Asn770Lys)

Gene: SMARCA4 (SWI/SNF related BAF chromatin remodeling complex subunit ATPase 4; plus strand). Cytogenetic location: 19p13.2.
Variant type: single nucleotide variant.
Coding change: c.2310C>A on transcript NM_003072.5 (MANE Select); coding-DNA position 2310, C replaced by A.
Protein change: p.Asn770Lys; replaces asparagine 770 with lysine.
Molecular consequence: missense variant. On other transcripts: non-coding transcript variant (1).
Genome position (GRCh38, 1-based): chr19:11,012,984, C>A. VCF-style: chr19-11012984-C-A. GRCh37 (hg19) VCF-style: chr19-11123660-C-A.
Other names: c.2310C>A (NM_001128849.1); c.2310C>A, p.Asn770Lys (NM_001128844.3, NM_001128845.2, NM_001128846.2 and 5 more transcripts); short protein forms N770K.
Identifiers: ClinVar variation 1360853 (VCV001360853.9), dbSNP rs2146277679, ClinGen allele CA404053075.